The following is an entry in ClinVar:

NM_177433.3(MAGED2):c.1352C>A (p.Thr451Asn)

Gene: MAGED2 (MAGE family member D2; plus strand). Cytogenetic location: Xp11.21.
Variant type: single nucleotide variant.
Coding change: c.1352C>A on transcript NM_177433.3 (MANE Select); coding-DNA position 1352, C replaced by A.
Protein change: p.Thr451Asn; replaces threonine 451 with asparagine.
Molecular consequence: missense variant.
Genome position (GRCh38, 1-based): chrX:54,814,741, C>A. VCF-style: chrX-54814741-C-A. GRCh37 (hg19) VCF-style: chrX-54841174-C-A.
Other names: c.1352C>A, p.Thr451Asn (NM_014599.6, NM_201222.3); short protein forms T451N.
Identifiers: ClinVar variation 1343900 (VCV001343900.2), dbSNP rs2147636611, ClinGen allele CA413274199.

ClinVar aggregate classification (germline): Uncertain significance (1 of 4 stars; one submission).

Submission:

GeneDx
Classification: Uncertain significance. Last evaluated: 2021-09-09. Review status: criteria provided, single submitter. Criteria: GeneDx Variant Classification Process June 2021. Collection method: clinical testing. Allele origin: germline. Affected: yes.
Comment: Not observed at significant frequency in large population cohorts (gnomAD); In silico analysis supports that this missense variant has a deleterious effect on protein structure/function; Has not been previously published as pathogenic or benign to our knowledge